The following is an entry in ClinVar:

NM_178857.6(RP1L1):c.59C>G (p.Ser20Cys)

Gene: RP1L1 (RP1 like 1). Cytogenetic location: 8p23.1.
Variant type: single nucleotide variant.
Coding change: c.59C>G on transcript NM_178857.6 (MANE Select); coding-DNA position 59, C replaced by G.
Protein change: p.Ser20Cys; replaces serine 20 with cysteine.
Molecular consequence: missense variant.
Genome position (GRCh38, 1-based): chr8:10,623,143, G>C on the plus strand (C>G on the coding strand, the complement: RP1L1 is on the minus strand). VCF-style: chr8-10623143-G-C. GRCh37 (hg19) VCF-style: chr8-10480653-G-C.
Other names: short protein forms S20C.
Identifiers: ClinVar variation 4753598 (VCV004753598.2).

ClinVar aggregate classification (germline): Uncertain significance. Review status: criteria provided, multiple submitters, no conflicts (2 of 4 stars). 2 submissions from 2 submitters: Uncertain significance (2). Last evaluated 2025-09-03.

Submissions (2):

Labcorp Genetics (formerly Invitae), Labcorp
Classification: Uncertain significance. Last evaluated: 2025-09-03. Review status: criteria provided, single submitter. Criteria: Invitae Variant Classification Sherloc (09022015). Collection method: clinical testing. Allele origin: germline.
Comment: This sequence change replaces serine, which is neutral and polar, with cysteine, which is neutral and slightly polar, at codon 20 of the RP1L1 protein (p.Ser20Cys). This variant is not present in population databases (gnomAD no frequency). This variant has not been reported in the literature in individuals affected with RP1L1-related conditions. Invitae Evidence Modeling of protein sequence and biophysical properties (such as structural, functional, and spatial information, amino acid conservation, physicochemical variation, residue mobility, and thermodynamic stability) indicates that this missense variant is not expected to disrupt RP1L1 protein function with a negative predictive value of 80%. In summary, the available evidence is currently insufficient to determine the role of this variant in disease. Therefore, it has been classified as a Variant of Uncertain Significance.

Blueprint Genetics
Classification: Uncertain significance. Last evaluated: 2022-06-29. Review status: criteria provided, single submitter. Criteria: ACMG Guidelines, 2015. Collection method: clinical testing. Allele origin: germline.